The following is an entry in ClinVar:

NM_152564.5(VPS13B):c.8719A>C (p.Ile2907Leu)

Gene: VPS13B (vacuolar protein sorting 13 homolog B; plus strand). Cytogenetic location: 8q22.2.
Variant type: single nucleotide variant.
Coding change: c.8719A>C on transcript NM_152564.5 (MANE Select); coding-DNA position 8719, A replaced by C.
Protein change: p.Ile2907Leu; replaces isoleucine 2907 with leucine.
Molecular consequence: missense variant.
Genome position (GRCh38, 1-based): chr8:99,819,509, A>C. VCF-style: chr8-99819509-A-C. GRCh37 (hg19) VCF-style: chr8-100831737-A-C.
Other names: c.8794A>C, p.Ile2932Leu (NM_017890.5); short protein forms I2907L, I2932L.
Identifiers: ClinVar variation 1944708 (VCV001944708.5), dbSNP rs1462824433, ClinGen allele CA371776408.

ClinVar aggregate classification (germline): Uncertain significance (1 of 4 stars; one submission).

Conditions:
Cohen syndrome (COH1). Also called: Cutis verticis gyrata, retinitis pigmentosa, and sensorineural deafness; PEPPER SYNDROME. Identifiers: Orphanet 193, MedGen C0265223, MONDO:0008999, OMIM 216550.

gnomAD v4.1: 3 of 1,613,896 alleles (0.00019%); highest among the groups gnomAD compares: South Asian, 0.0033%; no homozygotes.

Submission:

Labcorp Genetics (formerly Invitae), Labcorp
Classification: Uncertain significance for Cohen syndrome. Last evaluated: 2024-02-26. Review status: criteria provided, single submitter. Criteria: Invitae Variant Classification Sherloc (09022015). Collection method: clinical testing. Allele origin: germline.
Comment: This sequence change replaces isoleucine, which is neutral and non-polar, with leucine, which is neutral and non-polar, at codon 2932 of the VPS13B protein (p.Ile2932Leu). This variant is not present in population databases (gnomAD no frequency). This variant has not been reported in the literature in individuals affected with VPS13B-related conditions. ClinVar contains an entry for this variant (Variation ID: 1944708). Advanced modeling of protein sequence and biophysical properties (such as structural, functional, and spatial information, amino acid conservation, physicochemical variation, residue mobility, and thermodynamic stability) performed at Invitae indicates that this missense variant is not expected to disrupt VPS13B protein function with a negative predictive value of 80%. In summary, the available evidence is currently insufficient to determine the role of this variant in disease. Therefore, it has been classified as a Variant of Uncertain Significance.